The following is an entry in ClinVar:

NM_016011.5(MECR):c.114C>G (p.Ala38=)

Gene: MECR (mitochondrial trans-2-enoyl-CoA reductase; minus strand). Cytogenetic location: 1p35.3.
Variant type: single nucleotide variant.
Coding change: c.114C>G on transcript NM_016011.5 (MANE Select); coding-DNA position 114, C replaced by G.
Protein change: p.Ala38=; no amino-acid change (alanine 38 retained).
Molecular consequence: synonymous variant. On other transcripts: 5 prime UTR variant (6), non-coding transcript variant (4).
Genome position (GRCh38, 1-based): chr1:29,230,793, G>C on the plus strand (C>G on the coding strand, the complement: MECR is on the minus strand). VCF-style: chr1-29230793-G-C. GRCh37 (hg19) VCF-style: chr1-29557305-G-C.
Other names: c.-242C>G (NM_001024732.4); c.-446C>G (NM_001349711.2); c.-447C>G (NM_001349712.2); c.-324C>G (NM_001349713.2); c.-236C>G (NM_001349714.2); c.114C>G, p.Ala38= (NM_001349715.2, NM_001349716.2); c.-29C>G (NM_001349717.2).
Identifiers: ClinVar variation 742897 (VCV000742897.8), dbSNP rs755789151, ClinGen allele CA725902.

ClinVar aggregate classification (germline): Likely benign. Review status: criteria provided, multiple submitters, no conflicts (2 of 4 stars). 3 submissions from 3 submitters: Likely benign (3). Last evaluated 2026-08-01.

Allele frequency attached by ClinVar (database versions not stated): TOPMed 0.00002; gnomAD exomes 0.00005; ExAC 0.00012; gnomAD 0.00001.
gnomAD v4.1: 46 of 1,605,534 alleles (0.0029%); highest among the groups gnomAD compares: Non-Finnish European, 0.0032%; no homozygotes.

Submissions (3):

CeGaT Center for Human Genetics Tuebingen
Classification: Likely benign. Last evaluated: 2026-08-01. Review status: criteria provided, single submitter. Criteria: CeGaT Center For Human Genetics Tuebingen Variant Classification Criteria Version 2. Collection method: clinical testing. Allele origin: germline. Affected: yes. Observed: 1 variant allele.
Comment: MECR: BP4, BP7

Blueprint Genetics
Classification: Likely benign. Last evaluated: 2024-09-09. Review status: criteria provided, single submitter. Criteria: ACMG Guidelines, 2015. Collection method: clinical testing. Allele origin: germline.

Labcorp Genetics (formerly Invitae), Labcorp
Classification: Likely benign. Last evaluated: 2024-08-14. Review status: criteria provided, single submitter. Criteria: Invitae Variant Classification Sherloc (09022015). Collection method: clinical testing. Allele origin: germline.